The following is an entry in ClinVar:

ClinVar aggregate classification (germline): Likely benign. Review status: criteria provided, multiple submitters, no conflicts (2 of 4 stars). 3 submissions from 3 submitters: Likely benign (3). Last evaluated 2025-01-24.

Conditions:
Hereditary nonpolyposis colorectal neoplasms. Identifiers: MedGen C0009405, MeSH D003123.
Lynch syndrome 4 (LYNCH4). Also called: Hereditary non-polyposis colorectal cancer, type 4; Colorectal cancer, hereditary nonpolyposis, type 4. Identifiers: Orphanet 144, MedGen C1838333, MONDO:0013699, OMIM 614337. Disease mechanism: loss of function.

gnomAD v4.1: 1 of 1,517,256 alleles (0.000066%); highest among the groups gnomAD compares: South Asian, 0.0011%; no homozygotes.

Submissions (3):

Myriad Genetics, Inc.
Classification: Likely benign for Lynch syndrome 4. Last evaluated: 2025-01-24. Review status: criteria provided, single submitter. Criteria: Myriad Autosomal Dominant, Autosomal Recessive and X-Linked Classification Criteria (2023). Collection method: clinical testing. Allele origin: unknown.
Comment: This variant is considered likely benign. This variant is intronic and is not expected to impact mRNA splicing.

Labcorp Genetics (formerly Invitae), Labcorp
Classification: Likely benign for Hereditary nonpolyposis colorectal neoplasms. Last evaluated: 2023-01-14. Review status: criteria provided, single submitter. Criteria: Invitae Variant Classification Sherloc (09022015). Collection method: clinical testing. Allele origin: germline.

GeneDx
Classification: Likely benign. Last evaluated: 2017-01-24. Review status: criteria provided, single submitter. Criteria: GeneDx Variant Classification (06012015). Collection method: clinical testing. Allele origin: germline. Affected: yes.
Comment: This variant is considered likely benign or benign based on one or more of the following criteria: it is a conservative change, it occurs at a poorly conserved position in the protein, it is predicted to be benign by multiple in silico algorithms, and/or has population frequency not consistent with disease.

NM_000535.7(PMS2):c.251-18C>T

Gene: PMS2 (PMS1 homolog 2, mismatch repair system component; minus strand). Cytogenetic location: 7p22.1.
Variant type: single nucleotide variant.
Coding change: c.251-18C>T on transcript NM_000535.7 (MANE Select); 18 bases into the intron before coding-DNA position 251, C replaced by T.
Molecular consequence: intron variant.
Genome position (GRCh38, 1-based): chr7:6,003,810, G>A on the plus strand (C>T on the coding strand, the complement: PMS2 is on the minus strand). VCF-style: chr7-6003810-G-A. GRCh37 (hg19) VCF-style: chr7-6043441-G-A.
Other names: c.35+162C>T (NM_001322008.2, NM_001322007.2); c.-155-18C>T (NM_001322010.2, NM_001322004.2, NM_001322013.2 and 3 more transcripts); c.-634-18C>T (NM_001322012.2, NM_001322011.2); c.-234-18C>T (NM_001322015.2); c.251-18C>T (NM_001322006.2, NM_001322014.2).
Identifiers: ClinVar variation 507003 (VCV000507003.5), dbSNP rs766811365, ClinGen allele CA658796890.
Genomic context (GRCh38, chr7:6,003,810, plus strand): 5'-AGGTCGGCAAACTCTTGAATCTTAGATGTGTGATGTTTCAGAGCTGAAAGAGAGTGTAAA[G>A]TAAGGACTAAGATATCTCAAGTGCTATAACAACAAAATATACATGATATCTAGTAACTGG-3'